The following is an entry in ClinVar:

ClinVar aggregate classification (germline): Uncertain significance (1 of 4 stars; one submission).

Conditions:
Pityriasis rubra pilaris (PRP). Also called: Pityriasis rubra pilaris--familial type. Identifiers: Orphanet 2897, MedGen C0032027, MONDO:0100017, OMIM 173200, MONDO:0008251.
Psoriasis 2. Identifiers: MedGen C1864497, MONDO:0011269, OMIM 602723.

Submission:

Labcorp Genetics (formerly Invitae), Labcorp
Classification: Uncertain significance for Pityriasis rubra pilaris; Psoriasis 2. Last evaluated: 2020-12-21. Review status: criteria provided, single submitter. Criteria: Invitae Variant Classification Sherloc (09022015). Collection method: clinical testing. Allele origin: germline.
Comment: In summary, the available evidence is currently insufficient to determine the role of this variant in disease. Therefore, it has been classified as a Variant of Uncertain Significance. This variant has not been reported in the literature in individuals with CARD14-related conditions. This variant results in a copy number gain of the genomic region encompassing exon(s) 10-21 of the CARD14 gene. The 5' boundary is likely confined to intron 9. The 3' end of this event is unknown as it extends beyond the assayed region for this gene and therefore may encompass additional genes. As the precise location of this event is unknown, it may be in tandem or it may be located elsewhere in the genome.

NC_000017.10:g.(?_78168970)_(78182144_?)dup

Gene: CARD14 (caspase recruitment domain family member 14; plus strand). Cytogenetic location: 17q25.3.
Variant type: Duplication.
Identifiers: ClinVar variation 1448972 (VCV001448972.5).